The following is an entry in ClinVar:

ClinVar aggregate classification (germline): Uncertain significance (1 of 4 stars; one submission).

Allele frequency attached by ClinVar (database versions not stated): TOPMed below 0.00001.
gnomAD v4.1: 1 of 1,576,888 alleles (0.000063%); highest among the groups gnomAD compares: Admixed American, 0.0018%; no homozygotes.

Submission:

Labcorp Genetics (formerly Invitae), Labcorp
Classification: Uncertain significance. Last evaluated: 2022-05-14. Review status: criteria provided, single submitter. Criteria: Invitae Variant Classification Sherloc (09022015). Collection method: clinical testing. Allele origin: germline.
Comment: Advanced modeling of protein sequence and biophysical properties (such as structural, functional, and spatial information, amino acid conservation, physicochemical variation, residue mobility, and thermodynamic stability) performed at Invitae indicates that this missense variant is expected to disrupt COL11A2 protein function. This variant has not been reported in the literature in individuals affected with COL11A2-related conditions. The frequency data for this variant in the population databases is considered unreliable, as metrics indicate poor data quality at this position in the gnomAD database. This sequence change replaces glycine, which is neutral and non-polar, with serine, which is neutral and polar, at codon 820 of the COL11A2 protein (p.Gly820Ser). In summary, the available evidence is currently insufficient to determine the role of this variant in disease. Therefore, it has been classified as a Variant of Uncertain Significance.

NM_080680.3(COL11A2):c.2458G>A (p.Gly820Ser)

Gene: COL11A2 (collagen type XI alpha 2 chain; minus strand). Cytogenetic location: 6p21.32.
Variant type: single nucleotide variant.
Coding change: c.2458G>A on transcript NM_080680.3 (MANE Select); coding-DNA position 2458, G replaced by A.
Protein change: p.Gly820Ser; replaces glycine 820 with serine.
Molecular consequence: missense variant.
Genome position (GRCh38, 1-based): chr6:33,174,191, C>T on the plus strand (G>A on the coding strand, the complement: COL11A2 is on the minus strand). VCF-style: chr6-33174191-C-T. GRCh37 (hg19) VCF-style: chr6-33141968-C-T.
Other names: c.2137G>A, p.Gly713Ser (NM_080679.3); c.2200G>A, p.Gly734Ser (NM_080681.3); short protein forms G713S, G734S, G820S.
Identifiers: ClinVar variation 2082164 (VCV002082164.4), dbSNP rs1017562830, ClinGen allele CA137068852.
Genomic context (GRCh38, chr6:33,174,191, plus strand): 5'-TTCCCTTCTCACGCCCTCCCACCCCCCAGCTTACCCGGGCTCCCTTCTCTCCACTGGCAC[C>T]AGGAAAGCCAGGAAATCCTAGGGACCCCTGGTGAGAACGGAGAAGGGGGGAAATTGAGAA-3'
Protein context (NP_542411.2, residues 810-830): KGSLGFPGFP[Gly820Ser]ASGEKGARGL